The following is an entry in ClinVar:

NM_173495.3(PTCHD1):c.592C>T (p.His198Tyr)

Gene: PTCHD1 (patched domain containing 1; plus strand). Cytogenetic location: Xp22.11.
Variant type: single nucleotide variant.
Coding change: c.592C>T on transcript NM_173495.3 (MANE Select); coding-DNA position 592, C replaced by T.
Protein change: p.His198Tyr; replaces histidine 198 with tyrosine.
Molecular consequence: missense variant.
Genome position (GRCh38, 1-based): chrX:23,379,831, C>T. VCF-style: chrX-23379831-C-T. GRCh37 (hg19) VCF-style: chrX-23397948-C-T.
Other names: c.592C>T (NM_173495.2); short protein forms H198Y.
Identifiers: ClinVar variation 872226 (VCV000872226.42), dbSNP rs1655451720, ClinGen allele CA412580054.
Genomic context (GRCh38, chrX:23,379,831, plus strand): 5'-ACTCACTTAAAGGACGGGAGGGCTGTGTACAATGGGCACCAGCTTGGGGGCGTCACTGTG[C>T]ACAGCAAAGACCGGGTGAAATCTGCAGAGGCCATCCAGCTCACCTACTACCTGCAGTCAA-3'
Protein context (NP_775766.2, residues 188-208): NGHQLGGVTV[His198Tyr]SKDRVKSAEA

ClinVar aggregate classification (germline): Uncertain significance. Review status: criteria provided, multiple submitters, no conflicts (2 of 4 stars). 2 submissions from 2 submitters: Uncertain significance (2). Last evaluated 2024-12-18.

Allele frequency attached by ClinVar (database versions not stated): TOPMed 0.00001.

Submissions (2):

GeneDx
Classification: Uncertain significance. Last evaluated: 2024-12-18. Review status: criteria provided, single submitter. Criteria: GeneDx Variant Classification Process June 2021. Collection method: clinical testing. Allele origin: germline. Affected: yes.
Comment: Not observed at significant frequency in large population cohorts (gnomAD); In silico analysis indicates that this missense variant does not alter protein structure/function; Has not been previously published as pathogenic or benign to our knowledge

CeGaT Center for Human Genetics Tuebingen
Classification: Uncertain significance. Last evaluated: 2019-08-01. Review status: criteria provided, single submitter. Criteria: CeGaT Center For Human Genetics Tuebingen Variant Classification Criteria Version 2. Collection method: clinical testing. Allele origin: germline. Affected: yes. Observed: 2 variant alleles.